The following is an entry in ClinVar:

NM_001128225.3(SLC39A13):c.786+6C>T

Gene: SLC39A13 (solute carrier family 39 member 13; plus strand). Cytogenetic location: 11p11.2.
Variant type: single nucleotide variant.
Coding change: c.786+6C>T on transcript NM_001128225.3 (MANE Select); 6 bases into the intron after coding-DNA position 786, C replaced by T.
Molecular consequence: intron variant.
Genome position (GRCh38, 1-based): chr11:47,414,481, C>T. VCF-style: chr11-47414481-C-T. GRCh37 (hg19) VCF-style: chr11-47436032-C-T.
Other names: c.786+6C>T (NM_152264.5, NM_001330245.2).
Identifiers: ClinVar variation 284085 (VCV000284085.14), dbSNP rs779162662, ClinGen allele CA5975927.

ClinVar aggregate classification (germline): Conflicting classifications of pathogenicity. Review status: criteria provided, conflicting classifications (1 of 4 stars). 4 submissions from 4 submitters: Uncertain significance (3); Likely benign (1). Last evaluated 2025-09-15.

Conditions:
Ehlers-Danlos syndrome, spondylodysplastic type, 3. Also called: Ehlers-Danlos syndrome, spondylocheirodysplastic type. Identifiers: Orphanet 157965, MedGen C2676510, MONDO:0012873, OMIM 612350.

Allele frequency attached by ClinVar (database versions not stated): gnomAD 0.00003 and 0.00005; TOPMed 0.00003; gnomAD exomes 0.00010 and 0.00014; ExAC 0.00024.
gnomAD v4.1: 160 of 1,611,864 alleles (0.0099%); highest among the groups gnomAD compares: South Asian, 0.096%; no homozygotes.

Submissions (4):

Women's Health and Genetics/Laboratory Corporation of America, LabCorp
Classification: Uncertain significance. Last evaluated: 2025-09-15. Review status: criteria provided, single submitter. Criteria: LabCorp Variant Classification Summary - May 2015. Collection method: clinical testing. Allele origin: germline.
Comment: Variant summary: SLC39A13 c.786+6C>T alters a nucleotide located close to a canonical splice site and therefore could affect mRNA splicing, leading to a significantly altered protein sequence. Consensus agreement among computation tools predict no significant impact on normal splicing. However, these predictions have yet to be confirmed by functional studies. The variant allele was found at a frequency of 0.00014 in 243964 control chromosomes. This frequency is not significantly higher than estimated for disease-causing variants in SLC39A13, allowing no conclusion about variant significance. To our knowledge, no occurrence of c.786+6C>T in individuals affected with SLC39A13-related conditions and no experimental evidence demonstrating its impact on protein function have been reported. ClinVar contains an entry for this variant (Variation ID: 284085). Based on the evidence outlined above, the variant was classified as uncertain significance.

Labcorp Genetics (formerly Invitae), Labcorp
Classification: Uncertain significance for Ehlers-Danlos syndrome, spondylodysplastic type, 3. Last evaluated: 2022-08-09. Review status: criteria provided, single submitter. Criteria: Invitae Variant Classification Sherloc (09022015). Collection method: clinical testing. Allele origin: germline.
Comment: This sequence change falls in intron 7 of the SLC39A13 gene. It does not directly change the encoded amino acid sequence of the SLC39A13 protein. It affects a nucleotide within the consensus splice site. This variant is present in population databases (rs779162662, gnomAD 0.07%). This variant has not been reported in the literature in individuals affected with SLC39A13-related conditions. ClinVar contains an entry for this variant (Variation ID: 284085). Variants that disrupt the consensus splice site are a relatively common cause of aberrant splicing (PMID: 17576681, 9536098). Algorithms developed to predict the effect of sequence changes on RNA splicing suggest that this variant is not likely to affect RNA splicing. In summary, the available evidence is currently insufficient to determine the role of this variant in disease. Therefore, it has been classified as a Variant of Uncertain Significance.

GeneDx
Classification: Likely benign. Last evaluated: 2020-03-17. Review status: criteria provided, single submitter. Criteria: GeneDx Variant Classification Process June 2021. Collection method: clinical testing. Allele origin: germline. Affected: yes.

Eurofins Ntd Llc (ga)
Classification: Uncertain significance. Last evaluated: 2015-11-05. Review status: criteria provided, single submitter. Criteria: EGL Classification Definitions 2015. Collection method: clinical testing. Allele origin: germline. Observed: 1 variant allele, 1 heterozygote.

Literature cited by the submitters: PubMed 17576681 (cited by Labcorp Genetics (formerly Invitae), Labcorp); PubMed 9536098 (cited by Labcorp Genetics (formerly Invitae), Labcorp).